The following is an entry in ClinVar:

NM_015164.4(PLEKHM2):c.1396C>T (p.Arg466Cys)

Gene: PLEKHM2 (pleckstrin homology and RUN domain containing M2; plus strand). Cytogenetic location: 1p36.21.
Variant type: single nucleotide variant.
Coding change: c.1396C>T on transcript NM_015164.4 (MANE Select); coding-DNA position 1396, C replaced by T.
Protein change: p.Arg466Cys; replaces arginine 466 with cysteine.
Molecular consequence: missense variant.
Genome position (GRCh38, 1-based): chr1:15,727,468, C>T. VCF-style: chr1-15727468-C-T. GRCh37 (hg19) VCF-style: chr1-16053963-C-T.
Other names: c.1336C>T, p.Arg446Cys (NM_001410755.1); short protein forms R466C, R446C.
Identifiers: ClinVar variation 2173347 (VCV002173347.4), dbSNP rs775326636, ClinGen allele CA616933.

ClinVar aggregate classification (germline): Uncertain significance (1 of 4 stars; one submission).

Allele frequency attached by ClinVar (database versions not stated): gnomAD exomes 0.00001; gnomAD 0.00002; TOPMed 0.00004; ExAC 0.00005.
gnomAD v4.1: 15 of 1,602,768 alleles (0.00094%); highest among the groups gnomAD compares: African/African-American, 0.008%; no homozygotes.

Submission:

Labcorp Genetics (formerly Invitae), Labcorp
Classification: Uncertain significance. Last evaluated: 2023-06-14. Review status: criteria provided, single submitter. Criteria: Invitae Variant Classification Sherloc (09022015). Collection method: clinical testing. Allele origin: germline.
Comment: In summary, the available evidence is currently insufficient to determine the role of this variant in disease. Therefore, it has been classified as a Variant of Uncertain Significance. An algorithm developed to predict the effect of missense changes on protein structure and function (PolyPhen-2) suggests that this variant is likely to be disruptive. ClinVar contains an entry for this variant (Variation ID: 2173347). This variant has not been reported in the literature in individuals affected with PLEKHM2-related conditions. The frequency data for this variant in the population databases is considered unreliable, as metrics indicate poor data quality at this position in the gnomAD database. This sequence change replaces arginine, which is basic and polar, with cysteine, which is neutral and slightly polar, at codon 466 of the PLEKHM2 protein (p.Arg466Cys).